The following is an entry in ClinVar:

NM_032638.5(GATA2):c.894_895del (p.Cys298fs)

Gene: GATA2 (GATA binding protein 2; minus strand). Cytogenetic location: 3q21.3.
Variant type: Microsatellite.
Coding change: c.894_895del on transcript NM_032638.5 (MANE Select); coding-DNA positions 894 to 895, 2 bases deleted (TG; older notation c.894_895delTG).
Protein change: p.Cys298fs; shifts the reading frame from cysteine 298.
Molecular consequence: frameshift variant.
Genome position (GRCh38, 1-based): chr3:128,483,982-128,483,983, CA deleted on the plus strand (TG on the coding strand, the reverse complement: GATA2 is on the minus strand); deleting any 2 consecutive bases within chr3:128,483,982-128,483,985 gives the same sequence; the c. name uses the placement nearest the transcript's 3' end. VCF-style (leftmost placement, unchanged base first): chr3-128483981-CCA-C. GRCh37 (hg19) VCF-style: chr3-128202824-CCA-C.
Other names: p.Cys298Trpfs*85; c.894_895del (NM_001145661.1); c.894_895del, p.Cys298fs (NM_001145661.2, NM_001145662.1); short protein forms C298fs.
Identifiers: ClinVar variation 2683644 (VCV002683644.1), dbSNP rs2472925192, ClinGen allele CA2697556823.

ClinVar aggregate classification (germline): Likely pathogenic (1 of 4 stars; one submission).

Submission:

Mayo Clinic Laboratories, Mayo Clinic
Classification: Likely pathogenic. Last evaluated: 2022-10-27. Review status: criteria provided, single submitter. Criteria: ACMG Guidelines, 2015. Collection method: clinical testing. Allele origin: germline. Observed: 1 variant allele.
Comment: PP4, PM2_supporting, PVS1_strong